The following is an entry in ClinVar:

NM_000127.3(EXT1):c.1856T>C (p.Val619Ala)

Gene: EXT1 (exostosin glycosyltransferase 1; minus strand). Cytogenetic location: 8q24.11.
Variant type: single nucleotide variant.
Coding change: c.1856T>C on transcript NM_000127.3 (MANE Select); coding-DNA position 1856, T replaced by C.
Protein change: p.Val619Ala; replaces valine 619 with alanine.
Molecular consequence: missense variant.
Genome position (GRCh38, 1-based): chr8:117,807,244, A>G on the plus strand (T>C on the coding strand, the complement: EXT1 is on the minus strand). VCF-style: chr8-117807244-A-G. GRCh37 (hg19) VCF-style: chr8-118819483-A-G.
Other names: short protein forms V619A.
Identifiers: ClinVar variation 4056125 (VCV004056125.2).

ClinVar aggregate classification (germline): Uncertain significance (1 of 4 stars; one submission).

Conditions:
Exostoses, multiple, type 1 (EXT1). Also called: Hereditary Multiple Osteochondromatosis, Type I; EXOSTOSES, MULTIPLE, TYPE I. Identifiers: MedGen CN263289, MONDO:0007585, OMIM 133700.

Submission:

St. Jude Molecular Pathology, St. Jude Children's Research Hospital
Classification: Uncertain significance for Exostoses, multiple, type 1. Last evaluated: 2025-06-17. Review status: criteria provided, single submitter. Criteria: St. Jude Assertion Criteria 2020. Collection method: clinical testing. Allele origin: germline.
Comment: The EXT1 c.1856T>C p.(Val619Ala) missense change has a maximum subpopulation frequency of 0.005% in gnomAD v2.1.1. The in silico tool REVEL predicts a deleterious effect on protein function, but to our knowledge this prediction has not been confirmed by functional studies. To our knowledge, this variant has not been reported in individuals with hereditary multiple exostoses. In summary, the evidence currently available is insufficient to determine the clinical significanc e of this variant. It has therefore been classified as of uncertain significance.